The following is an entry in ClinVar:

NM_000095.3(COMP):c.1342T>C (p.Cys448Arg)

Gene: COMP (cartilage oligomeric matrix protein; minus strand). Cytogenetic location: 19p13.11.
Variant type: single nucleotide variant.
Coding change: c.1342T>C on transcript NM_000095.3 (MANE Select); coding-DNA position 1342, T replaced by C.
Protein change: p.Cys448Arg; replaces cysteine 448 with arginine.
Molecular consequence: missense variant.
Genome position (GRCh38, 1-based): chr19:18,786,112, A>G on the plus strand (T>C on the coding strand, the complement: COMP is on the minus strand). VCF-style: chr19-18786112-A-G. GRCh37 (hg19) VCF-style: chr19-18896922-A-G.
Other names: short protein forms C448R.
Identifiers: ClinVar variation 4741160 (VCV004741160.1).
Genomic context (GRCh38, chr19:18,786,112, plus strand): 5'-AGGCATCACCCTGGCCATCGTGGTCTGAGTCCTCCTGGGCACTGTTAGGCACCGTGGGAC[A>G]GTTGTCCCGAGAGTCCTGATGTCCGTCTCCATCCCTAGAGTGGATAGGTGGGATCCAGAG-3'
Protein context (NP_000086.2, residues 438-458): GDGHQDSRDN[Cys448Arg]PTVPNSAQED

ClinVar aggregate classification (germline): Pathogenic (1 of 4 stars; one submission).

Submission:

Labcorp Genetics (formerly Invitae), Labcorp
Classification: Pathogenic. Last evaluated: 2026-01-05. Review status: criteria provided, single submitter. Criteria: Invitae Variant Classification Sherloc (09022015). Collection method: clinical testing. Allele origin: germline.
Comment: This sequence change replaces cysteine, which is neutral and slightly polar, with arginine, which is basic and polar, at codon 448 of the COMP protein (p.Cys448Arg). This variant is not present in population databases (gnomAD no frequency). This missense change has been observed in individual(s) with clinical features of COMP-related conditions (internal data). In at least one individual the variant was observed to be de novo. Invitae Evidence Modeling of protein sequence and biophysical properties (such as structural, functional, and spatial information, amino acid conservation, physicochemical variation, residue mobility, and thermodynamic stability) indicates that this missense variant is expected to disrupt COMP protein function with a positive predictive value of 80%. This variant disrupts the p.Cys448 amino acid residue in COMP. Other variant(s) that disrupt this residue have been determined to be pathogenic (PMID: 34529350). This suggests that this residue is clinically significant, and that variants that disrupt this residue are likely to be disease-causing. For these reasons, this variant has been classified as Pathogenic.

Literature cited by the submitters: PubMed 34529350.